The following is an entry in ClinVar:

ClinVar aggregate classification (germline): Uncertain significance. Review status: criteria provided, multiple submitters, no conflicts (2 of 4 stars). 3 submissions from 3 submitters: Uncertain significance (3). Last evaluated 2024-09-10.

Conditions:
Combined immunodeficiency due to DOCK8 deficiency (HIES2). Also called: HIES autosomal recessive; Hyper-IgE recurrent infection syndrome, autosomal recessive; HYPER-IgE RECURRENT INFECTION SYNDROME 2, AUTOSOMAL RECESSIVE; DOCK8 Deficiency; HYPER-IgE SYNDROME 2, AUTOSOMAL RECESSIVE, WITH RECURRENT INFECTIONS. Identifiers: Orphanet 217390, MedGen C4722305, MONDO:0009478, OMIM 243700.

Allele frequency attached by ClinVar (database versions not stated): gnomAD 0.00001; gnomAD exomes 0.00001; TOPMed 0.00002.
gnomAD v4.1: 16 of 1,544,564 alleles (0.001%); highest among the groups gnomAD compares: Middle Eastern, 0.017%; no homozygotes.

Submissions (3):

Blueprint Genetics
Classification: Uncertain significance. Last evaluated: 2024-09-10. Review status: criteria provided, single submitter. Criteria: ACMG Guidelines, 2015. Collection method: clinical testing. Allele origin: germline.

Labcorp Genetics (formerly Invitae), Labcorp
Classification: Uncertain significance for Combined immunodeficiency due to DOCK8 deficiency. Last evaluated: 2022-03-06. Review status: criteria provided, single submitter. Criteria: Invitae Variant Classification Sherloc (09022015). Collection method: clinical testing. Allele origin: germline.
Comment: This sequence change falls in intron 2 of the DOCK8 gene. It does not directly change the encoded amino acid sequence of the DOCK8 protein. This variant is present in population databases (no rsID available, gnomAD 0.01%). This variant has not been reported in the literature in individuals affected with DOCK8-related conditions. ClinVar contains an entry for this variant (Variation ID: 914146). Algorithms developed to predict the effect of sequence changes on RNA splicing suggest that this variant may disrupt the consensus splice site. In summary, the available evidence is currently insufficient to determine the role of this variant in disease. Therefore, it has been classified as a Variant of Uncertain Significance.

Illumina Laboratory Services, Illumina
Classification: Uncertain significance for Combined immunodeficiency due to DOCK8 deficiency. Last evaluated: 2018-01-13. Review status: criteria provided, single submitter. Criteria: ICSL Variant Classification Criteria 13 December 2019. Collection method: clinical testing. Allele origin: germline.

NM_203447.4(DOCK8):c.156+7A>G

Gene: DOCK8 (dedicator of cytokinesis 8; plus strand). Cytogenetic location: 9p24.3.
Variant type: single nucleotide variant.
Coding change: c.156+7A>G on transcript NM_203447.4 (MANE Select); 7 bases into the intron after coding-DNA position 156, A replaced by G.
Molecular consequence: intron variant.
Genome position (GRCh38, 1-based): chr9:271,736, A>G. VCF-style: chr9-271736-A-G. GRCh37 (hg19) VCF-style: chr9-271736-A-G.
Identifiers: ClinVar variation 914146 (VCV000914146.9), dbSNP rs991177118, ClinGen allele CA187758137.